The following is an entry in ClinVar:

ClinVar aggregate classification (germline): Likely benign (1 of 4 stars; one submission).

Submission:

GeneDx
Classification: Likely benign. Last evaluated: 2017-09-20. Review status: criteria provided, single submitter. Criteria: GeneDx Variant Classification (06012015). Collection method: clinical testing. Allele origin: germline. Affected: yes.
Comment: This variant is considered likely benign or benign based on one or more of the following criteria: it is a conservative change, it occurs at a poorly conserved position in the protein, it is predicted to be benign by multiple in silico algorithms, and/or has population frequency not consistent with disease.

NM_006073.4(TRDN):c.424+13_424+14delinsTC

Gene: TRDN (triadin; minus strand). Cytogenetic location: 6q22.31.
Variant type: Indel.
Coding change: c.424+13_424+14delinsTC on transcript NM_006073.4 (MANE Select); bases 13 to 14 of the intron after coding-DNA position 424, CA replaced by TC.
Molecular consequence: intron variant.
Genome position (GRCh38, 1-based): chr6:123,547,326-123,547,327, TG replaced by GA on the plus strand (CA replaced by TC on the coding strand, the reverse complement: TRDN is on the minus strand). VCF-style: chr6-123547326-TG-GA. GRCh37 (hg19) VCF-style: chr6-123868471-TG-GA.
Other names: c.424+13_424+14delinsTC (NM_001251987.2, NM_001256020.2, NM_001256021.2 and 1 more transcripts).
Identifiers: ClinVar variation 512229 (VCV000512229.1), dbSNP rs1554256111, ClinGen allele CA658796822.
Genomic context (GRCh38, chr6:123,547,326, plus strand): 5'-ATATTTGAACCATGCTGAAAACCAATATTACCATAAGAGAAAAATAATTATTATCAAAGG[TG>GA]AAAACAACTAACCTTTTTTTCTCAAGGGAGGCTCATCTATTTCTCCTAGACCAAGATTAA-3'